The following is an entry in ClinVar:

ClinVar aggregate classification (germline): Likely benign (1 of 4 stars; one submission).

Submission:

CeGaT Center for Human Genetics Tuebingen
Classification: Likely benign. Last evaluated: 2024-10-01. Review status: criteria provided, single submitter. Criteria: CeGaT Center For Human Genetics Tuebingen Variant Classification Criteria Version 2. Collection method: clinical testing. Allele origin: germline. Affected: yes. Observed: 1 variant allele.
Comment: RLF: PM2:Supporting, BP4, BP7

NM_012421.4(RLF):c.4632T>A (p.Ser1544=)

Gene: RLF (RLF zinc finger; plus strand). Cytogenetic location: 1p34.2.
Variant type: single nucleotide variant.
Coding change: c.4632T>A on transcript NM_012421.4 (MANE Select); coding-DNA position 4632, T replaced by A.
Protein change: p.Ser1544=; no amino-acid change (serine 1544 retained).
Molecular consequence: synonymous variant.
Genome position (GRCh38, 1-based): chr1:40,239,334, T>A. VCF-style: chr1-40239334-T-A. GRCh37 (hg19) VCF-style: chr1-40705006-T-A.
Identifiers: ClinVar variation 3388860 (VCV003388860.14).
Genomic context (GRCh38, chr1:40,239,334, plus strand): 5'-GAAAGCCCCAATAAGTTTTAAAACCAGAGCTGAGGCCCTCCATATGTGTGTGGAGCACTC[T>A]GAGCACACACAGTACCCCTGCATGGTTCAAGGATGCTTATCTGTGGTGAAGTTGGAGAGC-3'
Protein context (NP_036553.2, residues 1534-1554): AEALHMCVEH[Ser1544=]EHTQYPCMVQ